The following is an entry in ClinVar:

ClinVar aggregate classification (germline): Likely benign (1 of 4 stars; one submission).

gnomAD v4.1: 7 of 1,614,042 alleles (0.00043%); highest among the groups gnomAD compares: Admixed American, 0.005%; no homozygotes.

Submission:

CeGaT Center for Human Genetics Tuebingen
Classification: Likely benign. Last evaluated: 2026-06-01. Review status: criteria provided, single submitter. Criteria: CeGaT Center For Human Genetics Tuebingen Variant Classification Criteria Version 2. Collection method: clinical testing. Allele origin: germline. Affected: yes. Observed: 1 variant allele.
Comment: TMEM38B: BP4, BP7

NM_018112.3(TMEM38B):c.48C>A (p.Ser16=)

Gene: TMEM38B (transmembrane protein 38B; plus strand). Cytogenetic location: 9q31.2.
Variant type: single nucleotide variant.
Coding change: c.48C>A on transcript NM_018112.3 (MANE Select); coding-DNA position 48, C replaced by A.
Protein change: p.Ser16=; no amino-acid change (serine 16 retained).
Molecular consequence: synonymous variant.
Genome position (GRCh38, 1-based): chr9:105,694,708, C>A. VCF-style: chr9-105694708-C-A. GRCh37 (hg19) VCF-style: chr9-108456989-C-A.
Identifiers: ClinVar variation 4873627 (VCV004873627.2).